The following is an entry in ClinVar:

ClinVar aggregate classification (germline): Likely benign (0 of 4 stars; one submission).

Conditions:
SEMA3F-related disorder. Also called: SEMA3F-related condition.

Submission:

PreventionGenetics, part of Exact Sciences
Classification: Likely benign for SEMA3F-related condition. Last evaluated: 2021-11-19. Review status: no assertion criteria provided. Collection method: clinical testing. Allele origin: germline.
Comment: This variant is classified as likely benign based on ACMG/AMP sequence variant interpretation guidelines (Richards et al. 2015 PMID: 25741868, with internal and published modifications).

NM_004186.5(SEMA3F):c.753G>C (p.Arg251=)

Gene: SEMA3F (semaphorin 3F; plus strand). Cytogenetic location: 3p21.31.
Variant type: single nucleotide variant.
Coding change: c.753G>C on transcript NM_004186.5 (MANE Select); coding-DNA position 753, G replaced by C.
Protein change: p.Arg251=; no amino-acid change (arginine 251 retained).
Molecular consequence: synonymous variant.
Genome position (GRCh38, 1-based): chr3:50,182,393, G>C. VCF-style: chr3-50182393-G-C. GRCh37 (hg19) VCF-style: chr3-50219826-G-C.
Other names: c.456G>C, p.Arg152= (NM_001318798.2); c.660G>C, p.Arg220= (NM_001318800.2).
Identifiers: ClinVar variation 3354752 (VCV003354752.1).